The following is an entry in ClinVar:

ClinVar aggregate classification (germline): Benign/Likely benign. Review status: criteria provided, multiple submitters, no conflicts (2 of 4 stars). 2 submissions from 2 submitters: Benign (1); Likely benign (1). Last evaluated 2025-09-08.

Allele frequency attached by ClinVar (database versions not stated): ExAC 0.00025; 1000 Genomes Project 30x 0.00031; 1000 Genomes Project 0.00040; ESP Exome Variant Server 0.00100.
gnomAD v4.1: 190 of 1,614,204 alleles (0.012%); highest among the groups gnomAD compares: African/African-American, 0.21%; no homozygotes.

Submissions (2):

Mayo Clinic Laboratories, Mayo Clinic
Classification: Likely benign. Last evaluated: 2025-09-08. Review status: criteria provided, single submitter. Criteria: ACMG Guidelines, 2015. Collection method: clinical testing. Allele origin: germline. Observed: 4 variant alleles.
Comment: BP4, BP7

Labcorp Genetics (formerly Invitae), Labcorp
Classification: Benign. Last evaluated: 2025-08-23. Review status: criteria provided, single submitter. Criteria: Invitae Variant Classification Sherloc (09022015). Collection method: clinical testing. Allele origin: germline.

NM_001355436.2(SPTB):c.5652G>A (p.Ala1884=)

Gene: SPTB (spectrin beta, erythrocytic; minus strand). Cytogenetic location: 14q23.3.
Variant type: single nucleotide variant.
Coding change: c.5652G>A on transcript NM_001355436.2 (MANE Select); coding-DNA position 5652, G replaced by A.
Protein change: p.Ala1884=; no amino-acid change (alanine 1884 retained).
Molecular consequence: synonymous variant.
Genome position (GRCh38, 1-based): chr14:64,771,031, C>T on the plus strand (G>A on the coding strand, the complement: SPTB is on the minus strand). VCF-style: chr14-64771031-C-T. GRCh37 (hg19) VCF-style: chr14-65237749-C-T.
Other names: p.Ala1884=; c.5652G>A, p.Ala1884= (NM_001024858.4, NM_001355437.2).
Identifiers: ClinVar variation 1694103 (VCV001694103.9), dbSNP rs146536978, ClinGen allele CA7229902.